The following is an entry in ClinVar:

NM_025132.4(WDR19):c.3229C>G (p.His1077Asp)

Gene: WDR19 (WD repeat domain 19; plus strand). Cytogenetic location: 4p14.
Variant type: single nucleotide variant.
Coding change: c.3229C>G on transcript NM_025132.4 (MANE Select); coding-DNA position 3229, C replaced by G.
Protein change: p.His1077Asp; replaces histidine 1077 with aspartic acid.
Molecular consequence: missense variant.
Genome position (GRCh38, 1-based): chr4:39,266,108, C>G. VCF-style: chr4-39266108-C-G. GRCh37 (hg19) VCF-style: chr4-39267728-C-G.
Other names: c.2749C>G, p.His917Asp (NM_001317924.2); short protein forms H917D, H1077D.
Identifiers: ClinVar variation 1980722 (VCV001980722.4), dbSNP rs2475370619, ClinGen allele CA356644883.
Genomic context (GRCh38, chr4:39,266,108, plus strand): 5'-TCTCTTATTAAACAGGTTGGTCAGGCCAAAGATGAACTGCTGACCAATCAGCTGATAGAC[C>G]ATCTCCTGGGGGAGAACGATGGCATGCCTAAGGTACTGAACACGTGGGCTTCGTGTGCAT-3'
Protein context (NP_079408.3, residues 1067-1087): DELLTNQLID[His1077Asp]LLGENDGMPK

ClinVar aggregate classification (germline): Uncertain significance (1 of 4 stars; one submission).

Conditions:
Asphyxiating thoracic dystrophy 5 (SRTD5). Also called: SHORT-RIB THORACIC DYSPLASIA 5 WITH OR WITHOUT POLYDACTYLY; SHORT-RIB THORACIC DYSPLASIA 5 WITHOUT POLYDACTYLY. Identifiers: Orphanet 474, MedGen C3280598, MONDO:0013717, OMIM 614376.
Senior-Loken syndrome 8 (SLSN8). Identifiers: Orphanet 3156, MedGen C4225376, MONDO:0014579, OMIM 616307.

Submission:

Labcorp Genetics (formerly Invitae), Labcorp
Classification: Uncertain significance for Senior-Loken syndrome 8; Asphyxiating thoracic dystrophy 5. Last evaluated: 2022-05-29. Review status: criteria provided, single submitter. Criteria: Invitae Variant Classification Sherloc (09022015). Collection method: clinical testing. Allele origin: germline.
Comment: In summary, the available evidence is currently insufficient to determine the role of this variant in disease. Therefore, it has been classified as a Variant of Uncertain Significance. Algorithms developed to predict the effect of missense changes on protein structure and function (SIFT, PolyPhen-2, Align-GVGD) all suggest that this variant is likely to be tolerated. This variant has not been reported in the literature in individuals affected with WDR19-related conditions. This variant is not present in population databases (gnomAD no frequency). This sequence change replaces histidine, which is basic and polar, with aspartic acid, which is acidic and polar, at codon 1077 of the WDR19 protein (p.His1077Asp).